The following is an entry in ClinVar:

ClinVar aggregate classification (germline): Conflicting classifications of pathogenicity. Review status: criteria provided, conflicting classifications (1 of 4 stars). 3 submissions from 3 submitters: Uncertain significance (2); Likely benign (1). Last evaluated 2025-09-03.

Conditions:
Hereditary cancer-predisposing syndrome. Also called: Neoplastic Syndromes, Hereditary; Hereditary neoplastic syndrome; Hereditary Cancer Syndrome; Tumor predisposition. Identifiers: Orphanet 140162, MedGen C0027672, MeSH D009386, MONDO:0015356.
POLD1-related polyposis and colorectal cancer syndrome (CRCS10). Also called: Colorectal cancer, susceptibility to, 10; Colorectal cancer 10; COLORECTAL CANCER, SUSCEPTIBILITY TO, ON CHROMOSOME 19q. Identifiers: Orphanet 220460, MedGen C2675481, MONDO:0012953, OMIM 612591.

Allele frequency attached by ClinVar (database versions not stated): ExAC 0.00001; gnomAD exomes 0.00001.

Submissions (3):

Labcorp Genetics (formerly Invitae), Labcorp
Classification: Uncertain significance for POLD1-related polyposis and colorectal cancer syndrome. Last evaluated: 2025-09-03. Review status: criteria provided, single submitter. Criteria: Invitae Variant Classification Sherloc (09022015). Collection method: clinical testing. Allele origin: germline.
Comment: This sequence change replaces leucine, which is neutral and non-polar, with valine, which is neutral and non-polar, at codon 681 of the POLD1 protein (p.Leu681Val). This variant is present in population databases (rs750594314, gnomAD 0.0009%). This variant has not been reported in the literature in individuals affected with POLD1-related conditions. ClinVar contains an entry for this variant (Variation ID: 407987). Invitae Evidence Modeling of protein sequence and biophysical properties (such as structural, functional, and spatial information, amino acid conservation, physicochemical variation, residue mobility, and thermodynamic stability) indicates that this missense variant is not expected to disrupt POLD1 protein function with a negative predictive value of 80%. In summary, the available evidence is currently insufficient to determine the role of this variant in disease. Therefore, it has been classified as a Variant of Uncertain Significance.

Ambry Genetics
Classification: Likely benign for Hereditary cancer-predisposing syndrome. Last evaluated: 2025-04-30. Review status: criteria provided, single submitter. Criteria: Ambry Variant Classification Scheme 2023. Collection method: clinical testing. Allele origin: germline.

GeneDx
Classification: Uncertain significance. Last evaluated: 2023-05-11. Review status: criteria provided, single submitter. Criteria: GeneDx Variant Classification Process June 2021. Collection method: clinical testing. Allele origin: germline. Affected: yes.
Comment: Not observed at significant frequency in large population cohorts (gnomAD); In silico analysis supports that this missense variant does not alter protein structure/function; Has not been previously published as pathogenic or benign to our knowledge; This variant is associated with the following publications: (PMID: 31034466, 20951805)

NM_002691.4(POLD1):c.2041C>G (p.Leu681Val)

Gene: POLD1 (DNA polymerase delta 1, catalytic subunit; plus strand). Cytogenetic location: 19q13.33.
Variant type: single nucleotide variant.
Coding change: c.2041C>G on transcript NM_002691.4 (MANE Select); coding-DNA position 2041, C replaced by G.
Protein change: p.Leu681Val; replaces leucine 681 with valine.
Molecular consequence: missense variant. On other transcripts: non-coding transcript variant (1).
Genome position (GRCh38, 1-based): chr19:50,409,553, C>G. VCF-style: chr19-50409553-C-G. GRCh37 (hg19) VCF-style: chr19-50912810-C-G.
Other names: c.2041C>G, p.Leu681Val (NM_001256849.1); c.2119C>G, p.Leu707Val (NM_001308632.1); c.2041C>G (NM_002691.2); short protein forms L681V, L707V.
Identifiers: ClinVar variation 407987 (VCV000407987.12), dbSNP rs750594314, ClinGen allele CA9596374.